The following is an entry in ClinVar:

ClinVar aggregate classification (germline): Likely pathogenic. Review status: criteria provided, single submitter (1 of 4 stars). 2 submissions from 2 submitters: Likely pathogenic (1). 1 of the submissions does not count toward it. Last evaluated 2023-10-01.

Conditions:
Neuronal ceroid lipofuscinosis 3 (CLN3). Identifiers: Orphanet 228346, MedGen C0751383, MONDO:0008767, OMIM 204200.

Allele frequency attached by ClinVar (database versions not stated): gnomAD exomes below 0.00001; ExAC 0.00001.

Submissions (2):

CeGaT Center for Human Genetics Tuebingen
Classification: Likely pathogenic. Last evaluated: 2023-10-01. Review status: criteria provided, single submitter. Criteria: CeGaT Center For Human Genetics Tuebingen Variant Classification Criteria Version 2. Collection method: clinical testing. Allele origin: germline. Affected: yes. Observed: 2 variant alleles.
Comment: CLN3: PM2, PM3, PS1:Moderate, PVS1:Moderate

Counsyl
Classification: Likely pathogenic for Neuronal ceroid lipofuscinosis 3. Last evaluated: 2016-08-29. Review status: no assertion criteria provided. Collection method: clinical testing. Allele origin: unknown. Not counted in ClinVar's aggregate classification.

NM_001042432.2(CLN3):c.2T>C (p.Met1Thr)

Gene: CLN3 (CLN3 lysosomal/endosomal transmembrane protein, battenin; minus strand). Cytogenetic location: 16p12.1.
Variant type: single nucleotide variant.
Coding change: c.2T>C on transcript NM_001042432.2 (MANE Select); coding-DNA position 2, T replaced by C.
Protein change: p.Met1Thr; changes the start codon (methionine 1).
Molecular consequence: missense variant, initiator codon variant. On other transcripts: 5 prime UTR variant (3).
Genome position (GRCh38, 1-based): chr16:28,491,758, A>G on the plus strand (T>C on the coding strand, the complement: CLN3 is on the minus strand). VCF-style: chr16-28491758-A-G. GRCh37 (hg19) VCF-style: chr16-28503079-A-G.
Other names: c.2T>C, p.Met1Thr (NM_000086.2, NM_001286104.2); c.-140T>C (NM_001286105.2); c.-82T>C (NM_001286109.2, NM_001286110.2); short protein forms M1T.
Identifiers: ClinVar variation 371317 (VCV000371317.29), dbSNP rs777625354, ClinGen allele CA7981127.